The following is an entry in ClinVar:

ClinVar aggregate classification (germline): Uncertain significance (1 of 4 stars; one submission).

Allele frequency attached by ClinVar (database versions not stated): gnomAD 0.00001; ESP Exome Variant Server 0.00008; TOPMed below 0.00001.
gnomAD v4.1: 1 of 1,612,950 alleles (0.000062%); highest among the groups gnomAD compares: African/African-American, 0.0013%; no homozygotes.

Submission:

GeneDx
Classification: Uncertain significance. Last evaluated: 2025-11-05. Review status: criteria provided, single submitter. Criteria: GeneDx Variant Classification Process June 2021. Collection method: clinical testing. Allele origin: germline. Affected: yes.
Comment: Nonsense variant predicted to result in protein truncation as the last 23 amino acid(s) are lost; Not observed at significant frequency in large population cohorts (gnomAD); Has not been previously published as pathogenic or benign to our knowledge

NM_020699.4(GATAD2B):c.1711C>T (p.Arg571Ter)

Gene: GATAD2B (GATA zinc finger domain containing 2B; minus strand). Cytogenetic location: 1q21.3.
Variant type: single nucleotide variant.
Coding change: c.1711C>T on transcript NM_020699.4 (MANE Select); coding-DNA position 1711, C replaced by T.
Protein change: p.Arg571Ter; replaces arginine 571 with a stop codon.
Molecular consequence: nonsense.
Genome position (GRCh38, 1-based): chr1:153,810,248, G>A on the plus strand (C>T on the coding strand, the complement: GATAD2B is on the minus strand). VCF-style: chr1-153810248-G-A. GRCh37 (hg19) VCF-style: chr1-153782724-G-A.
Other names: short protein forms R571*.
Identifiers: ClinVar variation 1314907 (VCV001314907.5), dbSNP rs372258374, ClinGen allele CA30753715.
Genomic context (GRCh38, chr1:153,810,248, plus strand): 5'-CACTGATGGACTGCGATATAGACCGGGGAGGGATCATGTCTAAAAGGTATTCACGCTGTC[G>A]GTCTGCCAAACTGGGGCCTTTGTGTCCTCCGATGCCAGTATTCAAGTATGCAATGTTGAC-3'